The following is an entry in ClinVar:

ClinVar aggregate classification (germline): Uncertain significance. Review status: criteria provided, multiple submitters, no conflicts (2 of 4 stars). 2 submissions from 2 submitters: Uncertain significance (2). Last evaluated 2025-11-09.

Conditions:
Hereditary cancer-predisposing syndrome. Also called: Tumor predisposition; Hereditary neoplastic syndrome; Hereditary Cancer Syndrome; Neoplastic Syndromes, Hereditary. Identifiers: Orphanet 140162, MedGen C0027672, MeSH D009386, MONDO:0015356.

Submissions (2):

Labcorp Genetics (formerly Invitae), Labcorp
Classification: Uncertain significance. Last evaluated: 2025-11-09. Review status: criteria provided, single submitter. Criteria: Invitae Variant Classification Sherloc (09022015). Collection method: clinical testing. Allele origin: germline.
Comment: This sequence change replaces alanine, which is neutral and non-polar, with proline, which is neutral and non-polar, at codon 25 of the FH protein (p.Ala25Pro). This variant is not present in population databases (gnomAD no frequency). This variant has not been reported in the literature in individuals affected with FH-related conditions. ClinVar contains an entry for this variant (Variation ID: 3023578). Invitae Evidence Modeling of protein sequence and biophysical properties (such as structural, functional, and spatial information, amino acid conservation, physicochemical variation, residue mobility, and thermodynamic stability) indicates that this missense variant is not expected to disrupt FH protein function with a negative predictive value of 95%. In summary, the available evidence is currently insufficient to determine the role of this variant in disease. Therefore, it has been classified as a Variant of Uncertain Significance.

Ambry Genetics
Classification: Uncertain significance for Hereditary cancer-predisposing syndrome. Last evaluated: 2024-05-24. Review status: criteria provided, single submitter. Criteria: Ambry Variant Classification Scheme 2023. Collection method: clinical testing. Allele origin: germline.
Comment: The p.A25P variant (also known as c.73G>C), located in coding exon 1 of the FH gene, results from a G to C substitution at nucleotide position 73. The alanine at codon 25 is replaced by proline, an amino acid with highly similar properties. This amino acid position is conserved. In addition, the in silico prediction for this alteration is inconclusive. Based on the available evidence, the clinical significance of this variant remains unclear.

NM_000143.4(FH):c.73G>C (p.Ala25Pro)

Gene: FH (fumarate hydratase; minus strand). Cytogenetic location: 1q43.
Variant type: single nucleotide variant.
Coding change: c.73G>C on transcript NM_000143.4 (MANE Select); coding-DNA position 73, G replaced by C.
Protein change: p.Ala25Pro; replaces alanine 25 with proline.
Molecular consequence: missense variant.
Genome position (GRCh38, 1-based): chr1:241,519,650, C>G on the plus strand (G>C on the coding strand, the complement: FH is on the minus strand). VCF-style: chr1-241519650-C-G. GRCh37 (hg19) VCF-style: chr1-241682950-C-G.
Other names: short protein forms A25P.
Identifiers: ClinVar variation 3023578 (VCV003023578.4), dbSNP rs999146815, ClinGen allele CA40337987.